The following is an entry in ClinVar:

ClinVar aggregate classification (germline): Benign/Likely benign. Review status: criteria provided, multiple submitters, no conflicts (2 of 4 stars). 9 submissions from 9 submitters: Benign (4); Likely benign (3). 2 of the submissions do not count toward it. Last evaluated 2026-01-19.

Conditions:
Amyotrophic lateral sclerosis type 15. Also called: AMYOTROPHIC LATERAL SCLEROSIS 15 WITH FRONTOTEMPORAL DEMENTIA. Identifiers: Orphanet 803, MedGen C3275459, MONDO:0010459, OMIM 300857.

Allele frequency attached by ClinVar (database versions not stated): 1000 Genomes Project 30x 0.00125; 1000 Genomes Project 0.00159; TOPMed 0.00238; ESP Exome Variant Server 0.00246; gnomAD 0.00313 and 0.00314; ExAC 0.00354; gnomAD exomes 0.00358 and 0.00367.
gnomAD v4.1: 4,263 of 1,210,925 alleles (0.35%); highest among the groups gnomAD compares: Middle Eastern, 0.41%; 7 homozygotes.

Submissions (9):

Labcorp Genetics (formerly Invitae), Labcorp
Classification: Benign for Amyotrophic lateral sclerosis type 15. Last evaluated: 2026-01-19. Review status: criteria provided, single submitter. Criteria: Invitae Variant Classification Sherloc (09022015). Collection method: clinical testing. Allele origin: germline.

Blueprint Genetics
Classification: Likely benign. Last evaluated: 2024-11-28. Review status: criteria provided, single submitter. Criteria: ACMG Guidelines, 2015. Collection method: clinical testing. Allele origin: germline.

Mayo Clinic Laboratories, Mayo Clinic
Classification: Benign. Last evaluated: 2024-01-16. Review status: criteria provided, single submitter. Criteria: ACMG Guidelines, 2015. Collection method: clinical testing. Allele origin: germline. Observed: 4 variant alleles.
Comment: BS1, BS2

Fulgent Genetics
Classification: Likely benign for Amyotrophic lateral sclerosis type 15. Last evaluated: 2021-10-08. Review status: criteria provided, single submitter. Criteria: ACMG Guidelines, 2015. Collection method: clinical testing. Allele origin: unknown.

Athena Diagnostics
Classification: Benign. Last evaluated: 2020-05-22. Review status: criteria provided, single submitter. Criteria: Athena Diagnostics Criteria. Collection method: clinical testing. Allele origin: unknown.

Illumina Laboratory Services, Illumina
Classification: Benign for Amyotrophic lateral sclerosis type 15. Last evaluated: 2018-01-13. Review status: criteria provided, single submitter. Criteria: ICSL Variant Classification Criteria 13 December 2019. Collection method: clinical testing. Allele origin: germline.
Comment: This variant was observed in the ICSL laboratory as part of a predisposition screen in an ostensibly healthy population. It had not been previously curated by ICSL or reported in the Human Gene Mutation Database (HGMD: prior to June 1st, 2018), and was therefore a candidate for classification through an automated scoring system. Utilizing variant allele frequency, disease prevalence and penetrance estimates, and inheritance mode, an automated score was calculated to assess if this variant is too frequent to cause the disease. Based on the score and internal cut-off values, a variant classified as benign is not then subjected to further curation. The score for this variant resulted in a classification of benign for this disease.

Breakthrough Genomics
Classification: Likely benign. Review status: criteria provided, single submitter. Criteria: ACMG Guidelines, 2015. Collection method: not provided. Allele origin: germline. Inheritance: X-linked inheritance. Affected: yes.

Clinical Genetics DNA and cytogenetics Diagnostics Lab, Erasmus MC, Erasmus Medical Center
Classification: Likely benign. Review status: no assertion criteria provided. Collection method: clinical testing. Allele origin: germline. Affected: yes. Study: VKGL Data-share Consensus. Not counted in ClinVar's aggregate classification.

Genome Diagnostics Laboratory, Amsterdam University Medical Center
Classification: Likely benign. Review status: no assertion criteria provided. Collection method: clinical testing. Allele origin: germline. Affected: yes. Study: VKGL Data-share Consensus. Not counted in ClinVar's aggregate classification.

Literature cited by the submitters: PubMed 23138764 (cited by Athena Diagnostics); PubMed 22560112 (cited by Athena Diagnostics); PubMed 19377476 (cited by Athena Diagnostics).

NM_013444.4(UBQLN2):c.1383G>A (p.Gly461=)

Gene: UBQLN2 (ubiquilin 2; plus strand). Cytogenetic location: Xp11.21.
Variant type: single nucleotide variant.
Coding change: c.1383G>A on transcript NM_013444.4 (MANE Select); coding-DNA position 1383, G replaced by A.
Protein change: p.Gly461=; no amino-acid change (glycine 461 retained).
Molecular consequence: synonymous variant.
Genome position (GRCh38, 1-based): chrX:56,565,256, G>A. VCF-style: chrX-56565256-G-A. GRCh37 (hg19) VCF-style: chrX-56591689-G-A.
Other names: p.Gly461=.
Identifiers: ClinVar variation 368609 (VCV000368609.25), dbSNP rs142250604, ClinGen allele CA10430158.